The following is an entry in ClinVar:

NM_005592.4(MUSK):c.206+5G>A

Gene: MUSK (muscle associated receptor tyrosine kinase; plus strand). Cytogenetic location: 9q31.3.
Variant type: single nucleotide variant.
Coding change: c.206+5G>A on transcript NM_005592.4 (MANE Select); 5 bases into the intron after coding-DNA position 206, G replaced by A.
Molecular consequence: intron variant.
Genome position (GRCh38, 1-based): chr9:110,682,805, G>A. VCF-style: chr9-110682805-G-A. GRCh37 (hg19) VCF-style: chr9-113445085-G-A.
Other names: c.206+5G>A (NM_001166280.2, NM_001166281.2).
Identifiers: ClinVar variation 641945 (VCV000641945.4), dbSNP rs767539226, ClinGen allele CA5183937.
Genomic context (GRCh38, chr9:110,682,805, plus strand): 5'-GTGGAATCCTACCCCCAGCCTGAGATTTCCTGGACTAGAAATAAAATTCTCATTAAGTAA[G>A]TATTCCACATTTTAATTTTTTTAAATTTTTGTGGGTATATAGTAGGTGTATATATATGTA-3'

ClinVar aggregate classification (germline): Uncertain significance (1 of 4 stars; one submission).

Conditions:
Fetal akinesia deformation sequence 1 (FADS1). Also called: Fetal akinesia sequence; Pena-Shokeir syndrome type I. Identifiers: Orphanet 994, MedGen C1276035, MONDO:0100101, OMIM 208150, HP:0001989.
Congenital myasthenic syndrome 9. Also called: Myasthenic syndrome, congenital, 9, associated with acetylcholine receptor deficiency. Identifiers: Orphanet 590, MedGen C4225368, MONDO:0014587, OMIM 616325.

Allele frequency attached by ClinVar (database versions not stated): TOPMed below 0.00001; gnomAD 0.00001; gnomAD exomes 0.00001; ExAC 0.00002.
gnomAD v4.1: 11 of 1,608,882 alleles (0.00068%); highest among the groups gnomAD compares: Non-Finnish European, 0.00093%; no homozygotes.

Submission:

Labcorp Genetics (formerly Invitae), Labcorp
Classification: Uncertain significance for Congenital myasthenic syndrome 9; Fetal akinesia deformation sequence 1. Last evaluated: 2018-09-18. Review status: criteria provided, single submitter. Criteria: Invitae Variant Classification Sherloc (09022015). Collection method: clinical testing. Allele origin: germline.
Comment: This sequence change falls in intron 2 of the MUSK gene. It does not directly change the encoded amino acid sequence of the MUSK protein, but it affects a nucleotide within the consensus splice site of the intron. This variant is present in population databases (rs767539226, ExAC 0.003%). This variant has not been reported in the literature in individuals with MUSK-related disease. Nucleotide substitutions within the consensus splice site are a relatively common cause of aberrant splicing (PMID: 17576681, 9536098). Algorithms developed to predict the effect of sequence changes on RNA splicing suggest that this variant may disrupt the consensus splice site, but this prediction has not been confirmed by published transcriptional studies. In summary, the available evidence is currently insufficient to determine the role of this variant in disease. Therefore, it has been classified as a Variant of Uncertain Significance.

Literature cited by the submitters: PubMed 17576681; PubMed 9536098.